The following is an entry in ClinVar:

ClinVar aggregate classification (germline): Uncertain significance. Review status: criteria provided, multiple submitters, no conflicts (2 of 4 stars). 2 submissions from 2 submitters: Uncertain significance (2). Last evaluated 2024-08-13.

Conditions:
Hereditary sensory neuropathy-deafness-dementia syndrome. Also called: Hereditary sensory neuropathy type IE; NEUROPATHY, HEREDITARY SENSORY, WITH HEARING LOSS AND DEMENTIA; Hereditary Sensory and Autonomic Neuropathy Type 1E (HSAN1E); HSN IE. Identifiers: Orphanet 456318, MedGen C3279885, MONDO:0013584, OMIM 614116.

Allele frequency attached by ClinVar (database versions not stated): gnomAD 0.00001; gnomAD exomes 0.00001; ExAC 0.00002.
gnomAD v4.1: 14 of 1,613,642 alleles (0.00087%); highest among the groups gnomAD compares: Admixed American, 0.005%; no homozygotes.

Submissions (2):

Labcorp Genetics (formerly Invitae), Labcorp
Classification: Uncertain significance for Hereditary sensory neuropathy-deafness-dementia syndrome. Last evaluated: 2024-08-13. Review status: criteria provided, single submitter. Criteria: Invitae Variant Classification Sherloc (09022015). Collection method: clinical testing. Allele origin: germline.
Comment: This sequence change replaces arginine, which is basic and polar, with histidine, which is basic and polar, at codon 1075 of the DNMT1 protein (p.Arg1075His). This variant is present in population databases (rs779489678, gnomAD 0.003%). This variant has not been reported in the literature in individuals affected with DNMT1-related conditions. ClinVar contains an entry for this variant (Variation ID: 287171). Invitae Evidence Modeling of protein sequence and biophysical properties (such as structural, functional, and spatial information, amino acid conservation, physicochemical variation, residue mobility, and thermodynamic stability) indicates that this missense variant is not expected to disrupt DNMT1 protein function with a negative predictive value of 80%. In summary, the available evidence is currently insufficient to determine the role of this variant in disease. Therefore, it has been classified as a Variant of Uncertain Significance.

Eurofins Ntd Llc (ga)
Classification: Uncertain significance. Last evaluated: 2016-04-29. Review status: criteria provided, single submitter. Criteria: EGL Classification Definitions 2015. Collection method: clinical testing. Allele origin: germline. Observed: 1 variant allele, 1 heterozygote.

NM_001130823.3(DNMT1):c.3224G>A (p.Arg1075His)

Gene: DNMT1 (DNA methyltransferase 1; minus strand). Cytogenetic location: 19p13.2.
Variant type: single nucleotide variant.
Coding change: c.3224G>A on transcript NM_001130823.3 (MANE Select); coding-DNA position 3224, G replaced by A.
Protein change: p.Arg1075His; replaces arginine 1075 with histidine.
Molecular consequence: missense variant.
Genome position (GRCh38, 1-based): chr19:10,142,113, C>T on the plus strand (G>A on the coding strand, the complement: DNMT1 is on the minus strand). VCF-style: chr19-10142113-C-T. GRCh37 (hg19) VCF-style: chr19-10252789-C-T.
Other names: c.3176G>A, p.Arg1059His (NM_001318730.2, NM_001379.4); c.2861G>A, p.Arg954His (NM_001318731.2); short protein forms R1075H, R1059H, R954H.
Identifiers: ClinVar variation 287171 (VCV000287171.10), dbSNP rs779489678, ClinGen allele CA9187811.